The following is an entry in ClinVar:

ClinVar aggregate classification (germline): Conflicting classifications of pathogenicity. Review status: criteria provided, conflicting classifications (1 of 4 stars). 4 submissions from 4 submitters: Uncertain significance (3); Likely benign (1). Last evaluated 2024-02-25.

Conditions:
Hereditary breast ovarian cancer syndrome. Also called: BRCA1- and BRCA2-Associated Hereditary Breast and Ovarian Cancer; Hereditary breast and ovarian cancer syndrome; Hereditary breast and/or ovarian cancer syndrome; Hereditary breast and ovarian cancer; Hereditary breast and ovarian cancer syndrome (HBOC); Breast and ovarian cancer. Identifiers: Orphanet 145, MedGen C0677776, MeSH D061325, MONDO:0003582. Disease mechanism: loss of function.
Hereditary cancer-predisposing syndrome. Also called: Tumor predisposition; Neoplastic Syndromes, Hereditary; Hereditary Cancer Syndrome; Hereditary neoplastic syndrome. Identifiers: Orphanet 140162, MedGen C0027672, MeSH D009386, MONDO:0015356.

Allele frequency attached by ClinVar (database versions not stated): gnomAD exomes below 0.00001; gnomAD 0.00001.
gnomAD v4.1: 2 of 1,613,118 alleles (0.00012%); highest among the groups gnomAD compares: African/African-American, 0.0013%; no homozygotes.

Submissions (4):

Ambry Genetics
Classification: Uncertain significance for Hereditary cancer-predisposing syndrome. Last evaluated: 2024-02-25. Review status: criteria provided, single submitter. Criteria: Ambry Variant Classification Scheme 2023. Collection method: clinical testing. Allele origin: germline.
Comment: The p.R1217K variant (also known as c.3650G>A), located in coding exon 10 of the BRCA2 gene, results from a G to A substitution at nucleotide position 3650. The arginine at codon 1217 is replaced by lysine, an amino acid with highly similar properties. This amino acid position is poorly conserved in available vertebrate species. In addition, this alteration is predicted to be tolerated by in silico analysis. Since supporting evidence is limited at this time, the clinical significance of this alteration remains unclear.

Labcorp Genetics (formerly Invitae), Labcorp
Classification: Uncertain significance for Hereditary breast ovarian cancer syndrome. Last evaluated: 2023-11-01. Review status: criteria provided, single submitter. Criteria: Invitae Variant Classification Sherloc (09022015). Collection method: clinical testing. Allele origin: germline.
Comment: This sequence change replaces arginine, which is basic and polar, with lysine, which is basic and polar, at codon 1217 of the BRCA2 protein (p.Arg1217Lys). This variant is present in population databases (no rsID available, gnomAD 0.003%). This variant has not been reported in the literature in individuals affected with BRCA2-related conditions. ClinVar contains an entry for this variant (Variation ID: 801104). Advanced modeling of protein sequence and biophysical properties (such as structural, functional, and spatial information, amino acid conservation, physicochemical variation, residue mobility, and thermodynamic stability) performed at Invitae indicates that this missense variant is not expected to disrupt BRCA2 protein function with a negative predictive value of 95%. In summary, the available evidence is currently insufficient to determine the role of this variant in disease. Therefore, it has been classified as a Variant of Uncertain Significance.

University of Washington Department of Laboratory Medicine, University of Washington
Classification: Likely benign for Hereditary cancer-predisposing syndrome. Last evaluated: 2023-03-23. Review status: criteria provided, single submitter. Criteria: Dines et al. (Genet Med. 2020). Collection method: curation. Allele origin: germline.
Comment: Missense variant in a coldspot region where missense variants are very unlikely to be pathogenic (PMID:31911673).

BRCA2 exon 11 coldspot. Reclassification based on statistical prior probability.

Quest Diagnostics Nichols Institute San Juan Capistrano
Classification: Uncertain significance. Last evaluated: 2019-06-19. Review status: criteria provided, single submitter. Criteria: Quest Diagnostics criteria. Collection method: clinical testing. Allele origin: germline.

NM_000059.4(BRCA2):c.3650G>A (p.Arg1217Lys)

Gene: BRCA2 (BRCA2 DNA repair associated; plus strand). Cytogenetic location: 13q13.1.
Variant type: single nucleotide variant.
Coding change: c.3650G>A on transcript NM_000059.4 (MANE Select); coding-DNA position 3650, G replaced by A.
Protein change: p.Arg1217Lys; replaces arginine 1217 with lysine.
Molecular consequence: missense variant.
Genome position (GRCh38, 1-based): chr13:32,338,005, G>A. VCF-style: chr13-32338005-G-A. GRCh37 (hg19) VCF-style: chr13-32912142-G-A.
Other names: short protein forms R1217K.
Identifiers: ClinVar variation 801104 (VCV000801104.16), dbSNP rs1306577496, ClinGen allele CA387777952.